The following is an entry in ClinVar:

NM_000245.4(MET):c.376T>C (p.Tyr126His)

Gene: MET (MET proto-oncogene, receptor tyrosine kinase; plus strand). Cytogenetic location: 7q31.2.
Variant type: single nucleotide variant.
Coding change: c.376T>C on transcript NM_000245.4 (MANE Select); coding-DNA position 376, T replaced by C.
Protein change: p.Tyr126His; replaces tyrosine 126 with histidine.
Molecular consequence: missense variant. On other transcripts: intron variant (1).
Genome position (GRCh38, 1-based): chr7:116,699,460, T>C. VCF-style: chr7-116699460-T-C. GRCh37 (hg19) VCF-style: chr7-116339514-T-C.
Other names: c.376T>C, p.Tyr126His (NM_001127500.3, NM_001324401.3); c.-91+26883T>C (NM_001324402.2); short protein forms Y126H.
Identifiers: ClinVar variation 2128287 (VCV002128287.4), dbSNP rs2485508646, ClinGen allele CA368968939.

ClinVar aggregate classification (germline): Uncertain significance (1 of 4 stars; one submission).

Conditions:
Renal cell carcinoma. Identifiers: Orphanet 217071, MedGen C0007134, MeSH D002292, MONDO:0005086, HP:0005584.

Submission:

Labcorp Genetics (formerly Invitae), Labcorp
Classification: Uncertain significance for Renal cell carcinoma. Last evaluated: 2022-04-23. Review status: criteria provided, single submitter. Criteria: Invitae Variant Classification Sherloc (09022015). Collection method: clinical testing. Allele origin: germline.
Comment: In summary, the available evidence is currently insufficient to determine the role of this variant in disease. Therefore, it has been classified as a Variant of Uncertain Significance. Algorithms developed to predict the effect of missense changes on protein structure and function are either unavailable or do not agree on the potential impact of this missense change (SIFT: "Deleterious"; PolyPhen-2: "Probably Damaging"; Align-GVGD: "Class C0"). This variant has not been reported in the literature in individuals affected with MET-related conditions. This variant is not present in population databases (gnomAD no frequency). This sequence change replaces tyrosine, which is neutral and polar, with histidine, which is basic and polar, at codon 126 of the MET protein (p.Tyr126His).